The following is an entry in ClinVar:

NM_003978.5(PSTPIP1):c.816G>C (p.Lys272Asn)

Gene: PSTPIP1 (proline-serine-threonine phosphatase interacting protein 1; plus strand). Cytogenetic location: 15q24.3.
Variant type: single nucleotide variant.
Coding change: c.816G>C on transcript NM_003978.5 (MANE Select); coding-DNA position 816, G replaced by C.
Protein change: p.Lys272Asn; replaces lysine 272 with asparagine.
Molecular consequence: missense variant.
Genome position (GRCh38, 1-based): chr15:77,032,372, G>C. VCF-style: chr15-77032372-G-C. GRCh37 (hg19) VCF-style: chr15-77324713-G-C.
Other names: c.816G>C, p.Lys272Asn (NM_001321135.2); c.789G>C, p.Lys263Asn (NM_001321136.2); c.1011G>C, p.Lys337Asn (NM_001321137.1); short protein forms K337N, K263N, K272N.
Identifiers: ClinVar variation 1474115 (VCV001474115.8), dbSNP rs867312193, ClinGen allele CA393521192.

ClinVar aggregate classification (germline): Uncertain significance (1 of 4 stars; one submission).

Conditions:
Pyogenic arthritis-pyoderma gangrenosum-acne syndrome (PAPA). Also called: FAMILIAL RECURRENT ARTHRITIS; PAPA SYNDROME. Identifiers: Orphanet 69126, MedGen C1858361, MONDO:0011462, OMIM 604416.

Allele frequency attached by ClinVar (database versions not stated): TOPMed below 0.00001; gnomAD 0.00001.
gnomAD v4.1: 1 of 1,612,598 alleles (0.000062%); highest among the groups gnomAD compares: African/African-American, 0.0013%; no homozygotes.

Submission:

Labcorp Genetics (formerly Invitae), Labcorp
Classification: Uncertain significance for Pyogenic arthritis-pyoderma gangrenosum-acne syndrome. Last evaluated: 2023-08-17. Review status: criteria provided, single submitter. Criteria: Invitae Variant Classification Sherloc (09022015). Collection method: clinical testing. Allele origin: germline.
Comment: This sequence change replaces lysine, which is basic and polar, with asparagine, which is neutral and polar, at codon 272 of the PSTPIP1 protein (p.Lys272Asn). This variant is not present in population databases (gnomAD no frequency). This variant has not been reported in the literature in individuals affected with PSTPIP1-related conditions. ClinVar contains an entry for this variant (Variation ID: 1474115). Advanced modeling of protein sequence and biophysical properties (such as structural, functional, and spatial information, amino acid conservation, physicochemical variation, residue mobility, and thermodynamic stability) performed at Invitae indicates that this missense variant is not expected to disrupt PSTPIP1 protein function. In summary, the available evidence is currently insufficient to determine the role of this variant in disease. Therefore, it has been classified as a Variant of Uncertain Significance.